The following is an entry in ClinVar:

ClinVar aggregate classification (germline): Uncertain significance. Review status: criteria provided, multiple submitters, no conflicts (2 of 4 stars). 2 submissions from 2 submitters: Uncertain significance (2). Last evaluated 2023-06-22.

Allele frequency attached by ClinVar (database versions not stated): gnomAD 0.00001; TOPMed 0.00001; gnomAD exomes 0.00004.
gnomAD v4.1: 60 of 1,614,074 alleles (0.0037%); highest among the groups gnomAD compares: Admixed American, 0.005%; no homozygotes.

Submissions (2):

Blueprint Genetics
Classification: Uncertain significance. Last evaluated: 2023-06-22. Review status: criteria provided, single submitter. Criteria: ACMG Guidelines, 2015. Collection method: clinical testing. Allele origin: germline.

Labcorp Genetics (formerly Invitae), Labcorp
Classification: Uncertain significance. Last evaluated: 2022-09-15. Review status: criteria provided, single submitter. Criteria: Invitae Variant Classification Sherloc (09022015). Collection method: clinical testing. Allele origin: germline.
Comment: This sequence change replaces asparagine, which is neutral and polar, with serine, which is neutral and polar, at codon 615 of the MYH3 protein (p.Asn615Ser). This variant is present in population databases (rs779771513, gnomAD 0.003%). This variant has not been reported in the literature in individuals affected with MYH3-related conditions. Advanced modeling of protein sequence and biophysical properties (such as structural, functional, and spatial information, amino acid conservation, physicochemical variation, residue mobility, and thermodynamic stability) performed at Invitae indicates that this missense variant is not expected to disrupt MYH3 protein function. In summary, the available evidence is currently insufficient to determine the role of this variant in disease. Therefore, it has been classified as a Variant of Uncertain Significance.

NM_002470.4(MYH3):c.1844A>G (p.Asn615Ser)

Gene: MYH3 (myosin heavy chain 3; minus strand). Cytogenetic location: 17p13.1.
Variant type: single nucleotide variant.
Coding change: c.1844A>G on transcript NM_002470.4 (MANE Select); coding-DNA position 1844, A replaced by G.
Protein change: p.Asn615Ser; replaces asparagine 615 with serine.
Molecular consequence: missense variant.
Genome position (GRCh38, 1-based): chr17:10,642,461, T>C on the plus strand (A>G on the coding strand, the complement: MYH3 is on the minus strand). VCF-style: chr17-10642461-T-C. GRCh37 (hg19) VCF-style: chr17-10545778-T-C.
Other names: short protein forms N615S.
Identifiers: ClinVar variation 1909384 (VCV001909384.6), dbSNP rs779771513, ClinGen allele CA287787819.